The following is an entry in ClinVar:

NM_000059.4(BRCA2):c.9335A>T (p.Asp3112Val)

Gene: BRCA2 (BRCA2 DNA repair associated; plus strand). Cytogenetic location: 13q13.1.
Variant type: single nucleotide variant.
Coding change: c.9335A>T on transcript NM_000059.4 (MANE Select); coding-DNA position 9335, A replaced by T.
Protein change: p.Asp3112Val; replaces aspartic acid 3112 with valine.
Molecular consequence: missense variant. On other transcripts: non-coding transcript variant (1).
Genome position (GRCh38, 1-based): chr13:32,394,767, A>T. VCF-style: chr13-32394767-A-T. GRCh37 (hg19) VCF-style: chr13-32968904-A-T.
Other names: c.9239A>T, p.Asp3080Val (NM_001406719.1); c.9284A>T, p.Asp3095Val (NM_001406720.1); c.4403A>T, p.Asp1468Val (NM_001406721.1); c.2918A>T, p.Asp973Val (NM_001406722.1); c.9335A>T, p.Asp3112Val (NM_001432077.1); short protein forms D1468V, D3080V, D3095V, D3112V, D973V.
Identifiers: ClinVar variation 4802365 (VCV004802365.1).

ClinVar aggregate classification (germline): Uncertain significance (1 of 4 stars; one submission).

Conditions:
Hereditary breast ovarian cancer syndrome. Also called: Hereditary breast and ovarian cancer syndrome (HBOC); Hereditary breast and ovarian cancer; Breast and ovarian cancer; Hereditary breast and/or ovarian cancer syndrome; BRCA1- and BRCA2-Associated Hereditary Breast and Ovarian Cancer; Hereditary breast and ovarian cancer syndrome. Identifiers: Orphanet 145, MedGen C0677776, MeSH D061325, MONDO:0003582. Disease mechanism: loss of function.

Submission:

Labcorp Genetics (formerly Invitae), Labcorp
Classification: Uncertain significance for Hereditary breast ovarian cancer syndrome. Last evaluated: 2025-03-30. Review status: criteria provided, single submitter. Criteria: Invitae Variant Classification Sherloc (09022015). Collection method: clinical testing. Allele origin: germline.
Comment: This sequence change replaces aspartic acid, which is acidic and polar, with valine, which is neutral and non-polar, at codon 3112 of the BRCA2 protein (p.Asp3112Val). This variant is not present in population databases (gnomAD no frequency). This variant has not been reported in the literature in individuals affected with BRCA2-related conditions. Invitae Evidence Modeling of protein sequence and biophysical properties (such as structural, functional, and spatial information, amino acid conservation, physicochemical variation, residue mobility, and thermodynamic stability) indicates that this missense variant is not expected to disrupt BRCA2 protein function with a negative predictive value of 95%. In summary, the available evidence is currently insufficient to determine the role of this variant in disease. Therefore, it has been classified as a Variant of Uncertain Significance.